The following is an entry in ClinVar:

ClinVar aggregate classification (germline): Uncertain significance (1 of 4 stars; one submission).

Conditions:
Walker-Warburg congenital muscular dystrophy. Also called: Muscular dystrophy-dystroglycanopathy, type A; Walker-Warburg syndrome. Identifiers: Orphanet 899, MedGen C0265221, MONDO:0000171.
Autosomal recessive limb-girdle muscular dystrophy type 2K. Also called: MUSCULAR DYSTROPHY, LIMB-GIRDLE, TYPE 2K; MUSCULAR DYSTROPHY-DYSTROGLYCANOPATHY (LIMB-GIRDLE), TYPE C, 1. Identifiers: Orphanet 86812, MedGen C1836373, MONDO:0012248, OMIM 609308.
Muscular dystrophy-dystroglycanopathy (congenital with impaired intellectual development), type B, 1. Also called: MUSCULAR DYSTROPHY, CONGENITAL, POMT1-RELATED; Muscular dystrophy-dystroglycanopathy (congenital with intellectual disability), type B1. Identifiers: MedGen C5436962, MONDO:0013159, OMIM 613155.

gnomAD v4.1: 2 of 1,613,878 alleles (0.00012%); highest among the groups gnomAD compares: South Asian, 0.0022%; no homozygotes.

Submission:

Labcorp Genetics (formerly Invitae), Labcorp
Classification: Uncertain significance for Muscular dystrophy-dystroglycanopathy (congenital with impaired intellectual development), type B, 1; Walker-Warburg congenital muscular dystrophy; Autosomal recessive limb-girdle muscular dystrophy type 2K. Last evaluated: 2022-01-15. Review status: criteria provided, single submitter. Criteria: Invitae Variant Classification Sherloc (09022015). Collection method: clinical testing. Allele origin: germline.
Comment: In summary, the available evidence is currently insufficient to determine the role of this variant in disease. Therefore, it has been classified as a Variant of Uncertain Significance. This sequence change replaces isoleucine, which is neutral and non-polar, with asparagine, which is neutral and polar, at codon 684 of the POMT1 protein (p.Ile684Asn). Algorithms developed to predict the effect of missense changes on protein structure and function are either unavailable or do not agree on the potential impact of this missense change (SIFT: "Deleterious"; PolyPhen-2: "Benign"; Align-GVGD: "Class C0"). This missense change has been observed in individual(s) with congenital muscular dystrophy (PMID: 18513969). This variant is not present in population databases (gnomAD no frequency).

Literature cited by the submitters: PubMed 18513969.

NM_001077365.2(POMT1):c.1985T>A (p.Ile662Asn)

Gene: POMT1 (protein O-mannosyltransferase 1; plus strand). Cytogenetic location: 9q34.13.
Variant type: single nucleotide variant.
Coding change: c.1985T>A on transcript NM_001077365.2 (MANE Select); coding-DNA position 1985, T replaced by A.
Protein change: p.Ile662Asn; replaces isoleucine 662 with asparagine.
Molecular consequence: missense variant. On other transcripts: non-coding transcript variant (10).
Genome position (GRCh38, 1-based): chr9:131,522,206, T>A. VCF-style: chr9-131522206-T-A. GRCh37 (hg19) VCF-style: chr9-134397593-T-A.
Other names: c.1823T>A, p.Ile608Asn (NM_001077366.2, NM_001353194.2); c.1985T>A, p.Ile662Asn (NM_001136113.2); c.1634T>A, p.Ile545Asn (NM_001136114.2, NM_001353195.2, NM_001374691.1 and 2 more transcripts); c.2051T>A, p.Ile684Asn (NM_001353193.2, NM_007171.4); c.1895T>A, p.Ile632Asn (NM_001353196.2); c.1889T>A, p.Ile630Asn (NM_001353197.2, NM_001353198.2); c.1700T>A, p.Ile567Asn (NM_001353199.2); c.1529T>A, p.Ile510Asn (NM_001353200.2); and 3 more; short protein forms I684N, I510N, I608N, I532N, I545N, I567N, I630N, I658N.
Identifiers: ClinVar variation 1406129 (VCV001406129.6), dbSNP rs2131923569, ClinGen allele CA375314705.
Genomic context (GRCh38, chr9:131,522,206, plus strand): 5'-ACCACTACCTGCCCGCACTCACCTTCCAAATCCTTCTGCTCCCTGTGGTCCTGCAGCACA[T>A]CAGCGACCACCTGTGCAGGTACGGGGGCTGCGGAGACAGTGGCTGGACCGGGCAGCAGCC-3'
Protein context (NP_001070833.1, residues 652-672): ILLLPVVLQH[Ile662Asn]SDHLCRSQLQ